The following is an entry in ClinVar:

NM_012452.3(TNFRSF13B):c.61+11G>C

Gene: TNFRSF13B (TNF receptor superfamily member 13B; minus strand). Cytogenetic location: 17p11.2.
Variant type: single nucleotide variant.
Coding change: c.61+11G>C on transcript NM_012452.3 (MANE Select); 11 bases into the intron after coding-DNA position 61, G replaced by C.
Molecular consequence: intron variant.
Genome position (GRCh38, 1-based): chr17:16,972,004, C>G on the plus strand (G>C on the coding strand, the complement: TNFRSF13B is on the minus strand). VCF-style: chr17-16972004-C-G. GRCh37 (hg19) VCF-style: chr17-16875318-C-G.
Other names: c.61+11G>C (NM_012452.2).
Identifiers: ClinVar variation 1564853 (VCV001564853.9), dbSNP rs201483236, ClinGen allele CA8414148.

ClinVar aggregate classification (germline): Benign/Likely benign. Review status: criteria provided, multiple submitters, no conflicts (2 of 4 stars). 3 submissions from 3 submitters: Benign (1); Likely benign (2). Last evaluated 2026-02-01.

Conditions:
Immunodeficiency, common variable, 2 (CVID2). Also called: ANTIBODY DEFICIENCY DUE TO TACI DEFECT; HYPOGAMMAGLOBULINEMIA DUE TO TACI DEFICIENCY. Identifiers: Orphanet 1572, MedGen C3150354, MONDO:0009413, OMIM 240500.

Allele frequency attached by ClinVar (database versions not stated): 1000 Genomes Project 30x 0.00016; 1000 Genomes Project 0.00020; ESP Exome Variant Server 0.00038.
gnomAD v4.1: 793 of 1,614,036 alleles (0.049%); highest among the groups gnomAD compares: Non-Finnish European, 0.059%; no homozygotes.

Submissions (3):

Labcorp Genetics (formerly Invitae), Labcorp
Classification: Likely benign for Immunodeficiency, common variable, 2. Last evaluated: 2026-02-01. Review status: criteria provided, single submitter. Criteria: Invitae Variant Classification Sherloc (09022015). Collection method: clinical testing. Allele origin: germline.

Blueprint Genetics
Classification: Likely benign. Last evaluated: 2024-11-06. Review status: criteria provided, single submitter. Criteria: ACMG Guidelines, 2015. Collection method: clinical testing. Allele origin: germline.

Women's Health and Genetics/Laboratory Corporation of America, LabCorp
Classification: Benign. Last evaluated: 2023-05-19. Review status: criteria provided, single submitter. Criteria: LabCorp Variant Classification Summary - May 2015. Collection method: clinical testing. Allele origin: germline.
Comment: Variant summary: TNFRSF13B c.61+11G>C alters a nucleotide located close to a canonical splice site and therefore could affect mRNA splicing, leading to a significantly altered protein sequence. 4/4 computational tools predict no significant impact on normal splicing. However, these predictions have yet to be confirmed by functional studies. The variant allele was found at a frequency of 0.00033 in 251236 control chromosomes. The observed variant frequency is approximately 100 fold of the estimated maximal expected allele frequency for a pathogenic variant in TNFRSF13B causing Common Variable Immunodeficiency phenotype (2.9e-06), strongly suggesting that the variant is benign. To our knowledge, no occurrence of c.61+11G>C in individuals affected with Common Variable Immunodeficiency and no experimental evidence demonstrating its impact on protein function have been reported. One clinical diagnostic laboratory has submitted clinical-significance assessments for this variant to ClinVar after 2014 without evidence for independent evaluation. One laboratory classified the variant as likely benign. Based on the evidence outlined above, the variant was classified as benign.